The following is an entry in ClinVar:

NM_012123.4(MTO1):c.1501T>C (p.Tyr501His)

Gene: MTO1 (mitochondrial tRNA translation optimization 1; plus strand). Cytogenetic location: 6q13.
Variant type: single nucleotide variant.
Coding change: c.1501T>C on transcript NM_012123.4 (MANE Select); coding-DNA position 1501, T replaced by C.
Protein change: p.Tyr501His; replaces tyrosine 501 with histidine.
Molecular consequence: missense variant.
Genome position (GRCh38, 1-based): chr6:73,482,484, T>C. VCF-style: chr6-73482484-T-C. GRCh37 (hg19) VCF-style: chr6-74192207-T-C.
Other names: c.1621T>C, p.Tyr541His (NM_001123226.2); c.1576T>C, p.Tyr526His (NM_133645.3); c.1621T>C (NM_001123226.1); short protein forms Y526H, Y541H, Y501H.
Identifiers: ClinVar variation 1397124 (VCV001397124.4), dbSNP rs143378575, ClinGen allele CA3889673.

ClinVar aggregate classification (germline): Uncertain significance. Review status: criteria provided, multiple submitters, no conflicts (2 of 4 stars). 2 submissions from 2 submitters: Uncertain significance (2). Last evaluated 2024-05-15.

Conditions:
Mitochondrial hypertrophic cardiomyopathy with lactic acidosis due to MTO1 deficiency. Also called: CARDIOMYOPATHY, INFANTILE HYPERTROPHIC MITOCHONDRIAL, AND LACTIC ACIDOSIS; Combined oxidative phosphorylation deficiency 10. Identifiers: Orphanet 314637, MedGen C4749921, MONDO:0013865, OMIM 614702.
Inborn genetic diseases. Identifiers: MedGen C0950123, MeSH D030342.

Allele frequency attached by ClinVar (database versions not stated): gnomAD exomes 0.00001; TOPMed 0.00008; gnomAD 0.00010; ESP Exome Variant Server 0.00015; 1000 Genomes Project 30x 0.00016.
gnomAD v4.1: 28 of 1,613,426 alleles (0.0017%); highest among the groups gnomAD compares: African/African-American, 0.033%; no homozygotes.

Submissions (2):

Ambry Genetics
Classification: Uncertain significance for Inborn genetic diseases. Last evaluated: 2024-05-15. Review status: criteria provided, single submitter. Criteria: Ambry Variant Classification Scheme 2023. Collection method: clinical testing. Allele origin: germline.

Labcorp Genetics (formerly Invitae), Labcorp
Classification: Uncertain significance for Mitochondrial hypertrophic cardiomyopathy with lactic acidosis due to MTO1 deficiency. Last evaluated: 2022-07-29. Review status: criteria provided, single submitter. Criteria: Invitae Variant Classification Sherloc (09022015). Collection method: clinical testing. Allele origin: germline.
Comment: This sequence change replaces tyrosine, which is neutral and polar, with histidine, which is basic and polar, at codon 501 of the MTO1 protein (p.Tyr501His). This variant is present in population databases (rs143378575, gnomAD 0.01%). This variant has not been reported in the literature in individuals affected with MTO1-related conditions. ClinVar contains an entry for this variant (Variation ID: 1397124). Algorithms developed to predict the effect of missense changes on protein structure and function are either unavailable or do not agree on the potential impact of this missense change (SIFT: "Deleterious"; PolyPhen-2: "Benign"; Align-GVGD: "Class C15"). In summary, the available evidence is currently insufficient to determine the role of this variant in disease. Therefore, it has been classified as a Variant of Uncertain Significance.